The following is an entry in ClinVar:

ClinVar aggregate classification (germline): Uncertain significance (1 of 4 stars; one submission).

Conditions:
Dilated cardiomyopathy 1D. Identifiers: Orphanet 154, Orphanet 54260, MedGen C1832243, MONDO:0011095, OMIM 601494.
Cardiomyopathy, familial restrictive, 3. Identifiers: Orphanet 75249, MedGen C2676271, MONDO:0012900, OMIM 612422.
Hypertrophic cardiomyopathy 2. Also called: TNNT2-Related Familial Hypertrophic Cardiomyopathy. Identifiers: MedGen C1861864, MONDO:0007266, OMIM 115195.

Allele frequency attached by ClinVar (database versions not stated): TOPMed below 0.00001; gnomAD 0.00001.
gnomAD v4.1: 1 of 1,613,986 alleles (0.000062%); highest among the groups gnomAD compares: African/African-American, 0.0013%; no homozygotes.

Submission:

Labcorp Genetics (formerly Invitae), Labcorp
Classification: Uncertain significance for Cardiomyopathy, familial restrictive, 3; Hypertrophic cardiomyopathy 2; Dilated cardiomyopathy 1D. Last evaluated: 2022-06-13. Review status: criteria provided, single submitter. Criteria: Invitae Variant Classification Sherloc (09022015). Collection method: clinical testing. Allele origin: germline.
Comment: This sequence change replaces glutamic acid, which is acidic and polar, with glycine, which is neutral and non-polar, at codon 40 of the TNNT2 protein (p.Glu40Gly). The frequency data for this variant in the population databases is considered unreliable, as metrics indicate poor data quality at this position in the gnomAD database. In summary, the available evidence is currently insufficient to determine the role of this variant in disease. Therefore, it has been classified as a Variant of Uncertain Significance. Algorithms developed to predict the effect of missense changes on protein structure and function are either unavailable or do not agree on the potential impact of this missense change (SIFT: "Tolerated"; PolyPhen-2: "Not Available"; Align-GVGD: "Class C0"). This missense change has been observed in individual(s) with clinical features of dilated cardiomyopathy (Invitae).

NM_001276345.2(TNNT2):c.149A>G (p.Glu50Gly)

Gene: TNNT2 (troponin T2, cardiac type; minus strand). Cytogenetic location: 1q32.1.
Variant type: single nucleotide variant.
Coding change: c.149A>G on transcript NM_001276345.2 (MANE Select); coding-DNA position 149, A replaced by G.
Protein change: p.Glu50Gly; replaces glutamic acid 50 with glycine.
Molecular consequence: missense variant.
Genome position (GRCh38, 1-based): chr1:201,368,176, T>C on the plus strand (A>G on the coding strand, the complement: TNNT2 is on the minus strand). VCF-style: chr1-201368176-T-C. GRCh37 (hg19) VCF-style: chr1-201337304-T-C.
Other names: c.149A>G, p.Glu50Gly (NM_000364.4, NM_001276346.2, NM_001406723.1); c.119A>G, p.Glu40Gly (NM_001001430.3, NM_001001431.3, NM_001276347.2 and 4 more transcripts); c.104A>G, p.Glu35Gly (NM_001001432.3, NM_001406728.1); short protein forms E35G, E40G, E50G.
Identifiers: ClinVar variation 2005620 (VCV002005620.4), dbSNP rs1224117594, ClinGen allele CA344207232.